The following is an entry in ClinVar:

NM_000271.5(NPC1):c.652G>C (p.Glu218Gln)

Gene: NPC1 (NPC intracellular cholesterol transporter 1; minus strand). Cytogenetic location: 18q11.2.
Variant type: single nucleotide variant.
Coding change: c.652G>C on transcript NM_000271.5 (MANE Select); coding-DNA position 652, G replaced by C.
Protein change: p.Glu218Gln; replaces glutamic acid 218 with glutamine.
Molecular consequence: missense variant.
Genome position (GRCh38, 1-based): chr18:23,560,460, C>G on the plus strand (G>C on the coding strand, the complement: NPC1 is on the minus strand). VCF-style: chr18-23560460-C-G. GRCh37 (hg19) VCF-style: chr18-21140424-C-G.
Other names: short protein forms E218Q.
Identifiers: ClinVar variation 1402432 (VCV001402432.6), dbSNP rs972514142, ClinGen allele CA297074767.

ClinVar aggregate classification (germline): Uncertain significance (1 of 4 stars; one submission).

Conditions:
Niemann-Pick disease, type C1. Also called: NIEMANN-PICK DISEASE, VARIANT TYPE C1; NEUROVISCERAL STORAGE DISEASE WITH VERTICAL SUPRANUCLEAR OPHTHALMOPLEGIA; NIEMANN-PICK DISEASE WITH CHOLESTEROL ESTERIFICATION BLOCK; NIEMANN-PICK DISEASE WITHOUT SPHINGOMYELINASE DEFICIENCY; NIEMANN-PICK DISEASE, CHRONIC NEURONOPATHIC FORM. Identifiers: Orphanet 646, MedGen C3179455, MONDO:0009757, OMIM 257220.

Submission:

Labcorp Genetics (formerly Invitae), Labcorp
Classification: Uncertain significance for Niemann-Pick disease, type C1. Last evaluated: 2021-08-27. Review status: criteria provided, single submitter. Criteria: Invitae Variant Classification Sherloc (09022015). Collection method: clinical testing. Allele origin: germline.
Comment: This sequence change replaces glutamic acid with glutamine at codon 218 of the NPC1 protein (p.Glu218Gln). The glutamic acid residue is moderately conserved and there is a small physicochemical difference between glutamic acid and glutamine. This variant is not present in population databases (ExAC no frequency). This variant has not been reported in the literature in individuals affected with NPC1-related conditions. Advanced modeling of protein sequence and biophysical properties (such as structural, functional, and spatial information, amino acid conservation, physicochemical variation, residue mobility, and thermodynamic stability) performed at Invitae indicates that this missense variant is not expected to disrupt NPC1 protein function. In summary, the available evidence is currently insufficient to determine the role of this variant in disease. Therefore, it has been classified as a Variant of Uncertain Significance.